The following is an entry in ClinVar:

NM_003172.4(SURF1):c.161C>G (p.Thr54Arg)

Gene: SURF1 (SURF1 cytochrome c oxidase assembly factor; minus strand). Cytogenetic location: 9q34.2.
Variant type: single nucleotide variant.
Coding change: c.161C>G on transcript NM_003172.4 (MANE Select); coding-DNA position 161, C replaced by G.
Protein change: p.Thr54Arg; replaces threonine 54 with arginine.
Molecular consequence: missense variant. On other transcripts: 5 prime UTR variant (1).
Genome position (GRCh38, 1-based): chr9:133,354,903, G>C on the plus strand (C>G on the coding strand, the complement: SURF1 is on the minus strand). VCF-style: chr9-133354903-G-C. GRCh37 (hg19) VCF-style: chr9-136221758-G-C.
Other names: c.-167C>G (NM_001280787.1); short protein forms T54R.
Identifiers: ClinVar variation 1503292 (VCV001503292.4), dbSNP rs781958165, ClinGen allele CA200833533.
Genomic context (GRCh38, chr9:133,354,903, plus strand): 5'-AAGGCAGTCACAGGGATGAGGAGCAGGACCCACTGAAGAAAGGAGTCATCTTCCGCTTTT[G>C]TGGCAGATGCTTCTGCTGCAGAACTGCCACATCTGCTTGGCCTCCAGGCCACCCCTGGAG-3'
Protein context (NP_003163.1, residues 44-64): CGSSAAEASA[Thr54Arg]KAEDDSFLQW

ClinVar aggregate classification (germline): Uncertain significance (1 of 4 stars; one submission).

Conditions:
Leigh syndrome (NULS). Also called: Subacute necrotizing encephalopathy; Necrotizing encephalopathy infantile subacute of Leigh; Leigh's necrotizing encephalopathy; Leigh's disease; Leigh Syndrome (mtDNA deletion); LEIGH SYNDROME, NUCLEAR. Identifiers: Orphanet 506, MedGen C2931891, MONDO:0009723, OMIM 256000.

Allele frequency attached by ClinVar (database versions not stated): gnomAD exomes 0.00001.

Submission:

Labcorp Genetics (formerly Invitae), Labcorp
Classification: Uncertain significance for Leigh syndrome. Last evaluated: 2021-10-31. Review status: criteria provided, single submitter. Criteria: Invitae Variant Classification Sherloc (09022015). Collection method: clinical testing. Allele origin: germline.
Comment: This variant has not been reported in the literature in individuals affected with SURF1-related conditions. This variant is present in population databases (rs781958165, gnomAD 0.0009%). This sequence change replaces threonine, which is neutral and polar, with arginine, which is basic and polar, at codon 54 of the SURF1 protein (p.Thr54Arg). In summary, the available evidence is currently insufficient to determine the role of this variant in disease. Therefore, it has been classified as a Variant of Uncertain Significance. Algorithms developed to predict the effect of missense changes on protein structure and function (SIFT, PolyPhen-2, Align-GVGD) all suggest that this variant is likely to be tolerated.